The following is an entry in ClinVar:

ClinVar aggregate classification (germline): Likely pathogenic (1 of 4 stars; one submission).

Conditions:
Hypertrichotic osteochondrodysplasia Cantu type. Also called: Cantu Syndrome; Cantú Syndrome. Identifiers: Orphanet 1517, MedGen C0795905, MONDO:0009406, OMIM 239850.

Submission:

Institute of Human Genetics, University of Goettingen
Classification: Likely pathogenic for Hypertrichotic osteochondrodysplasia Cantu type. Last evaluated: 2026-07-29. Review status: criteria provided, single submitter. Criteria: ACMG Guidelines, 2015. Collection method: clinical testing. Allele origin: germline. Affected: yes. Observed: 1 variant allele, 1 heterozygote.
Comment: The NM_020297.4(ABCC9):c.3104A>G (p.Tyr1035Cys) variant causes a missense change involving the alteration of a non-conserved nucleotide. The variant is absent from the gnomAD population database at sites with sufficient sequencing coverage. In-silico predictor (REVEL) classifies this variant as likely damaging/oncogenic. Splicing prediction tools (SpliceAI) predict no significant impact on normal splicing. No clinical diagnostic laboratories have submitted clinical-significance assessments for this variant to ClinVar. ACMG criteria used for classification: PM1_sup, PM2_sup, PP3_mod, PP2_sup, PP4_sup

NM_020297.4(ABCC9):c.3104A>G (p.Tyr1035Cys)

Gene: ABCC9 (ATP binding cassette subfamily C member 9; minus strand). Cytogenetic location: 12p12.1.
Variant type: single nucleotide variant.
Coding change: c.3104A>G on transcript NM_020297.4 (MANE Select); coding-DNA position 3104, A replaced by G.
Protein change: p.Tyr1035Cys; replaces tyrosine 1035 with cysteine.
Molecular consequence: missense variant.
Genome position (GRCh38, 1-based): chr12:21,844,908, T>C on the plus strand (A>G on the coding strand, the complement: ABCC9 is on the minus strand). VCF-style: chr12-21844908-T-C. GRCh37 (hg19) VCF-style: chr12-21997842-T-C.
Other names: c.3104A>G, p.Tyr1035Cys (NM_001377273.1, NM_005691.4); c.2237A>G, p.Tyr746Cys (NM_001377274.1); short protein forms Y1035C, Y746C.
Identifiers: ClinVar variation 4884723 (VCV004884723.1).